The following is an entry in ClinVar:

NM_000143.4(FH):c.1426C>T (p.His476Tyr)

Gene: FH (fumarate hydratase; minus strand). Cytogenetic location: 1q43.
Variant type: single nucleotide variant.
Coding change: c.1426C>T on transcript NM_000143.4 (MANE Select); coding-DNA position 1426, C replaced by T.
Protein change: p.His476Tyr; replaces histidine 476 with tyrosine.
Molecular consequence: missense variant.
Genome position (GRCh38, 1-based): chr1:241,497,935, G>A on the plus strand (C>T on the coding strand, the complement: FH is on the minus strand). VCF-style: chr1-241497935-G-A. GRCh37 (hg19) VCF-style: chr1-241661235-G-A.
Other names: short protein forms H476Y.
Identifiers: ClinVar variation 1392346 (VCV001392346.10), dbSNP rs1484545927, ClinGen allele CA345450802.

ClinVar aggregate classification (germline): Uncertain significance. Review status: criteria provided, multiple submitters, no conflicts (2 of 4 stars). 2 submissions from 2 submitters: Uncertain significance (2). Last evaluated 2025-11-02.

Conditions:
Hereditary cancer-predisposing syndrome. Also called: Neoplastic Syndromes, Hereditary; Hereditary neoplastic syndrome; Tumor predisposition; Hereditary Cancer Syndrome. Identifiers: Orphanet 140162, MedGen C0027672, MeSH D009386, MONDO:0015356.

Allele frequency attached by ClinVar (database versions not stated): gnomAD exomes below 0.00001; TOPMed below 0.00001; gnomAD 0.00001.
gnomAD v4.1: 6 of 1,613,270 alleles (0.00037%); highest among the groups gnomAD compares: Middle Eastern, 0.017%; no homozygotes.

Submissions (2):

Ambry Genetics
Classification: Uncertain significance for Hereditary cancer-predisposing syndrome. Last evaluated: 2025-11-02. Review status: criteria provided, single submitter. Criteria: Ambry Variant Classification Scheme 2023. Collection method: clinical testing. Allele origin: germline.
Comment: The p.H476Y variant (also known as c.1426C>T), located in coding exon 10 of the FH gene, results from a C to T substitution at nucleotide position 1426. The histidine at codon 476 is replaced by tyrosine, an amino acid with similar properties. This amino acid position is highly conserved in available vertebrate species. In addition, the in silico prediction for this alteration is inconclusive. Since supporting evidence is limited at this time, the clinical significance of this alteration remains unclear.

Labcorp Genetics (formerly Invitae), Labcorp
Classification: Uncertain significance. Last evaluated: 2023-11-27. Review status: criteria provided, single submitter. Criteria: Invitae Variant Classification Sherloc (09022015). Collection method: clinical testing. Allele origin: germline.
Comment: This sequence change replaces histidine, which is basic and polar, with tyrosine, which is neutral and polar, at codon 476 of the FH protein (p.His476Tyr). This variant is present in population databases (no rsID available, gnomAD 0.0009%). This variant has not been reported in the literature in individuals affected with FH-related conditions. ClinVar contains an entry for this variant (Variation ID: 1392346). Advanced modeling of protein sequence and biophysical properties (such as structural, functional, and spatial information, amino acid conservation, physicochemical variation, residue mobility, and thermodynamic stability) has been performed at Invitae for this missense variant, however the output from this modeling did not meet the statistical confidence thresholds required to predict the impact of this variant on FH protein function. In summary, the available evidence is currently insufficient to determine the role of this variant in disease. Therefore, it has been classified as a Variant of Uncertain Significance.